The following is an entry in ClinVar:

ClinVar aggregate classification (germline): Uncertain significance (1 of 4 stars; one submission).

gnomAD v4.1: 2 of 1,585,984 alleles (0.00013%); highest among the groups gnomAD compares: East Asian, 0.0045%; no homozygotes.

Submission:

GeneDx
Classification: Uncertain significance. Last evaluated: 2024-03-20. Review status: criteria provided, single submitter. Criteria: GeneDx Variant Classification Process June 2021. Collection method: clinical testing. Allele origin: germline. Affected: yes.
Comment: Not observed at significant frequency in large population cohorts (gnomAD); In silico analysis supports that this missense variant does not alter protein structure/function; Has not been previously published as pathogenic or benign to our knowledge

NM_001042413.2(GLIS3):c.1273G>A (p.Ala425Thr)

Gene: GLIS3 (GLIS family zinc finger 3; minus strand). Cytogenetic location: 9p24.2.
Variant type: single nucleotide variant.
Coding change: c.1273G>A on transcript NM_001042413.2 (MANE Select); coding-DNA position 1273, G replaced by A.
Protein change: p.Ala425Thr; replaces alanine 425 with threonine.
Molecular consequence: missense variant.
Genome position (GRCh38, 1-based): chr9:4,118,205, C>T on the plus strand (G>A on the coding strand, the complement: GLIS3 is on the minus strand). VCF-style: chr9-4118205-C-T. GRCh37 (hg19) VCF-style: chr9-4118205-C-T.
Other names: c.808G>A, p.Ala270Thr (NM_152629.4); short protein forms A270T, A425T.
Identifiers: ClinVar variation 3371086 (VCV003371086.1).
Genomic context (GRCh38, chr9:4,118,205, plus strand): 5'-GGGGTAGGTCTACGGTGCTGCCCGGGAACTCCTCCAGGCGTTCGGTCTTGAACAGGCCGG[C>T]CGACTGGCTGTCGGGGCCCGGCAGGCCATGCTGCACCACCATGTGGTTGACCAGGCCTGG-3'
Protein context (NP_001035878.1, residues 415-435): HGLPGPDSQS[Ala425Thr]GLFKTERLEE